The following is an entry in ClinVar:

ClinVar aggregate classification (germline): Uncertain significance (1 of 4 stars; one submission).

Allele frequency attached by ClinVar (database versions not stated): gnomAD 0.00003; TOPMed 0.00004.
gnomAD v4.1: 44 of 1,538,126 alleles (0.0029%); highest among the groups gnomAD compares: East Asian, 0.0049%; no homozygotes.

Submission:

Labcorp Genetics (formerly Invitae), Labcorp
Classification: Uncertain significance. Last evaluated: 2023-01-01. Review status: criteria provided, single submitter. Criteria: Invitae Variant Classification Sherloc (09022015). Collection method: clinical testing. Allele origin: germline.
Comment: This sequence change replaces arginine, which is basic and polar, with tryptophan, which is neutral and slightly polar, at codon 2022 of the LAMA5 protein (p.Arg2022Trp). In summary, the available evidence is currently insufficient to determine the role of this variant in disease. Therefore, it has been classified as a Variant of Uncertain Significance. Algorithms developed to predict the effect of missense changes on protein structure and function are either unavailable or do not agree on the potential impact of this missense change (SIFT: "Deleterious"; PolyPhen-2: "Benign"; Align-GVGD: "Class C0"). This variant has not been reported in the literature in individuals affected with LAMA5-related conditions. This variant is present in population databases (rs753064723, gnomAD 0.02%).

NM_005560.6(LAMA5):c.6064C>T (p.Arg2022Trp)

Gene: LAMA5 (laminin subunit alpha 5; minus strand). Cytogenetic location: 20q13.33.
Variant type: single nucleotide variant.
Coding change: c.6064C>T on transcript NM_005560.6 (MANE Select); coding-DNA position 6064, C replaced by T.
Protein change: p.Arg2022Trp; replaces arginine 2022 with tryptophan.
Molecular consequence: missense variant.
Genome position (GRCh38, 1-based): chr20:62,323,456, G>A on the plus strand (C>T on the coding strand, the complement: LAMA5 is on the minus strand). VCF-style: chr20-62323456-G-A. GRCh37 (hg19) VCF-style: chr20-60898512-G-A.
Other names: short protein forms R2022W.
Identifiers: ClinVar variation 2416277 (VCV002416277.5), dbSNP rs753064723, ClinGen allele CA9941919.
Genomic context (GRCh38, chr20:62,323,456, plus strand): 5'-GGCCTCCCTCCTCCCCGCGCAACCCTCCCCAGGGTGCATCCCTCCCAGCCCGACGCCTAC[G>A]GGTGCAGTTGCCGGGCAGCAGGGCGTTGCCGTAGAAGCCGGGGGCACAGATCTCGCAGCG-3'
Protein context (NP_005551.3, residues 2012-2032): GNALLPGNCT[Arg2022Trp]CDCTPCGTEA